The following is an entry in ClinVar:

NM_031885.5(BBS2):c.940+3A>C

Gene: BBS2 (Bardet-Biedl syndrome 2; minus strand). Cytogenetic location: 16q13.
Variant type: single nucleotide variant.
Coding change: c.940+3A>C on transcript NM_031885.5 (MANE Select); 3 bases into the intron after coding-DNA position 940, A replaced by C.
Molecular consequence: intron variant.
Genome position (GRCh38, 1-based): chr16:56,502,670, T>G on the plus strand (A>C on the coding strand, the complement: BBS2 is on the minus strand). VCF-style: chr16-56502670-T-G. GRCh37 (hg19) VCF-style: chr16-56536582-T-G.
Other names: c.940+3A>C (NM_001377456.1).
Identifiers: ClinVar variation 1297143 (VCV001297143.6), dbSNP rs2144150079, ClinGen allele CA2499223569.

ClinVar aggregate classification (germline): Uncertain significance. Review status: criteria provided, multiple submitters, no conflicts (2 of 4 stars). 2 submissions from 2 submitters: Uncertain significance (2). Last evaluated 2022-04-12.

Conditions:
Bardet-Biedl syndrome (BBS). Identifiers: Orphanet 110, MedGen C0752166, MONDO:0015229.
Retinitis pigmentosa (RP). Identifiers: Orphanet 791, MedGen C0035334, MeSH D012174, MONDO:0019200, OMIM 268000. Inheritance: Autosomal dominant, autosomal recessive and X linked inheritance.

Submissions (2):

Labcorp Genetics (formerly Invitae), Labcorp
Classification: Uncertain significance for Bardet-Biedl syndrome. Last evaluated: 2022-04-12. Review status: criteria provided, single submitter. Criteria: Invitae Variant Classification Sherloc (09022015). Collection method: clinical testing. Allele origin: germline.
Comment: Variants that disrupt the consensus splice site are a relatively common cause of aberrant splicing (PMID: 17576681, 9536098). Algorithms developed to predict the effect of sequence changes on RNA splicing suggest that this variant may disrupt the consensus splice site. ClinVar contains an entry for this variant (Variation ID: 1297143). This variant has been observed in individual(s) with BBS2-related conditions (PMID: 32037395). This variant is not present in population databases (gnomAD no frequency). This sequence change falls in intron 8 of the BBS2 gene. It does not directly change the encoded amino acid sequence of the BBS2 protein. It affects a nucleotide within the consensus splice site. In summary, the available evidence is currently insufficient to determine the role of this variant in disease. Therefore, it has been classified as a Variant of Uncertain Significance.

Broad Center for Mendelian Genomics, Broad Institute of MIT and Harvard
Classification: Uncertain significance for Retinitis pigmentosa. Last evaluated: 2021-04-01. Review status: criteria provided, single submitter. Criteria: ACMG Guidelines, 2015. Collection method: curation. Allele origin: germline. Inheritance: Autosomal recessive inheritance. Affected: yes.
Comment: Through a review of available evidence we were able to apply the following criteria: PM2. Based on this evidence we have classified this variant as a Variant of Uncertain Significance. If you have any questions about the classification please reach out to the Pierce Lab.

Literature cited by the submitters: PubMed 17576681 (cited by Labcorp Genetics (formerly Invitae), Labcorp); PubMed 9536098 (cited by Labcorp Genetics (formerly Invitae), Labcorp); PubMed 32037395 (cited by Labcorp Genetics (formerly Invitae), Labcorp); PubMed 34906470 (cited by Broad Center for Mendelian Genomics, Broad Institute of MIT and Harvard).